The following is an entry in ClinVar:

NM_001170535.3(ATAD3A):c.360C>T (p.Ser120=)

Gene: ATAD3A (ATPase family AAA domain containing 3A; plus strand). Cytogenetic location: 1p36.33.
Variant type: single nucleotide variant.
Coding change: c.360C>T on transcript NM_001170535.3 (MANE Select); coding-DNA position 360, C replaced by T.
Protein change: p.Ser120=; no amino-acid change (serine 120 retained).
Molecular consequence: synonymous variant.
Genome position (GRCh38, 1-based): chr1:1,517,388, C>T. VCF-style: chr1-1517388-C-T. GRCh37 (hg19) VCF-style: chr1-1452768-C-T.
Other names: c.123C>T, p.Ser41= (NM_001170536.3); c.504C>T, p.Ser168= (NM_018188.5).
Identifiers: ClinVar variation 1012719 (VCV001012719.41), dbSNP rs571690031, ClinGen allele CA525696.

ClinVar aggregate classification (germline): Likely benign. Review status: criteria provided, multiple submitters, no conflicts (2 of 4 stars). 4 submissions from 4 submitters: Likely benign (4). Last evaluated 2026-07-01.

Allele frequency attached by ClinVar (database versions not stated): gnomAD exomes 0.00030 and 0.00033; gnomAD 0.00037 and 0.00038; ExAC 0.00040; TOPMed 0.00042; 1000 Genomes Project 30x 0.00047; 1000 Genomes Project 0.00060.
gnomAD v4.1: 504 of 1,526,378 alleles (0.033%); highest among the groups gnomAD compares: Non-Finnish European, 0.037%; 1 homozygote.

Submissions (4):

CeGaT Center for Human Genetics Tuebingen
Classification: Likely benign. Last evaluated: 2026-07-01. Review status: criteria provided, single submitter. Criteria: CeGaT Center For Human Genetics Tuebingen Variant Classification Criteria Version 2. Collection method: clinical testing. Allele origin: germline. Affected: yes. Observed: 7 variant alleles.
Comment: ATAD3A: BP4, BP7

Laboratory of Genetics, Children's Clinical University Hospital Latvia
Classification: Likely benign. Last evaluated: 2025-02-16. Review status: criteria provided, single submitter. Criteria: ACMG Guidelines, 2015. Collection method: clinical testing. Allele origin: germline. Affected: yes.

Blueprint Genetics
Classification: Likely benign. Last evaluated: 2024-11-08. Review status: criteria provided, single submitter. Criteria: ACMG Guidelines, 2015. Collection method: clinical testing. Allele origin: germline.

Breakthrough Genomics
Classification: Likely benign. Review status: criteria provided, single submitter. Criteria: ACMG Guidelines, 2015. Collection method: not provided. Allele origin: germline. Inheritance: Autosomal recessive inheritance. Affected: yes.